The following is an entry in ClinVar:

ClinVar aggregate classification (germline): Likely benign (1 of 4 stars; one submission).

Conditions:
PMP22-related disorder. Also called: PMP22-related condition; PMP22-related disorders.

gnomAD v4.1: 6 of 1,551,482 alleles (0.00039%); highest among the groups gnomAD compares: African/African-American, 0.0027%; no homozygotes.

Submission:

PreventionGenetics, part of Exact Sciences
Classification: Likely benign for PMP22-related condition. Last evaluated: 2025-07-23. Review status: criteria provided, single submitter. Criteria: ACMG Guidelines, 2015. Collection method: clinical testing. Allele origin: germline.
Comment: This variant is classified as likely benign based on ACMG/AMP sequence variant interpretation guidelines (Richards et al. 2015 PMID: 25741868, with internal and published modifications).

NM_000304.4(PMP22):c.-10T>G

Gene: PMP22 (peripheral myelin protein 22; minus strand). Cytogenetic location: 17p12.
Variant type: single nucleotide variant.
Coding change: c.-10T>G on transcript NM_000304.4 (MANE Select); 10 bases upstream of the start codon, T replaced by G.
Molecular consequence: 5 prime UTR variant.
Genome position (GRCh38, 1-based): chr17:15,260,737, A>C on the plus strand (T>G on the coding strand, the complement: PMP22 is on the minus strand). VCF-style: chr17-15260737-A-C. GRCh37 (hg19) VCF-style: chr17-15164054-A-C.
Other names: c.-10T>G (NM_001281455.2, NM_001281456.2, NM_001330143.2 and 2 more transcripts).
Identifiers: ClinVar variation 4978645 (VCV004978645.1).